The following is an entry in ClinVar:

NM_000059.4(BRCA2):c.3517A>T (p.Ile1173Phe)

Gene: BRCA2 (BRCA2 DNA repair associated; plus strand). Cytogenetic location: 13q13.1.
Variant type: single nucleotide variant.
Coding change: c.3517A>T on transcript NM_000059.4 (MANE Select); coding-DNA position 3517, A replaced by T.
Protein change: p.Ile1173Phe; replaces isoleucine 1173 with phenylalanine.
Molecular consequence: missense variant.
Genome position (GRCh38, 1-based): chr13:32,337,872, A>T. VCF-style: chr13-32337872-A-T. GRCh37 (hg19) VCF-style: chr13-32912009-A-T.
Other names: short protein forms I1173F.
Identifiers: ClinVar variation 96793 (VCV000096793.30), dbSNP rs431825308, ClinGen allele CA018244.

ClinVar aggregate classification (germline): Conflicting classifications of pathogenicity. Review status: criteria provided, conflicting classifications (1 of 4 stars). 11 submissions from 11 submitters: Uncertain significance (7); Likely benign (2). 2 of the submissions do not count toward it. Last evaluated 2025-05-18.

Conditions:
Familial cancer of breast. Also called: BREAST CANCER, FAMILIAL; hereditary breast carcinoma; Hereditary breast cancer. Identifiers: Orphanet 227535, MedGen C0346153, MONDO:0016419, OMIM 114480. Disease mechanism: loss of function.
Fanconi anemia complementation group D1. Also called: BRCA2-Related Fanconi Anemia. Identifiers: Orphanet 319462, MedGen C1838457, MONDO:0011584, OMIM 605724.
Medulloblastoma (MDB). Also called: Medulloblastoma, somatic; MEDULLOBLASTOMA PREDISPOSITION SYNDROME. Identifiers: Orphanet 616, MedGen C0025149, MeSH D008527, MONDO:0007959, OMIM 155255, HP:0002885.
Breast-ovarian cancer, familial, susceptibility to, 2 (BROVCA2). Also called: BRCA2 Hereditary Breast and Ovarian Cancer. Identifiers: Orphanet 145, MedGen C2675520, MONDO:0012933, OMIM 612555. Disease mechanism: loss of function.
Wilms tumor 1 (WT1). Also called: Wilms tumor, somatic. Identifiers: Orphanet 654, MedGen CN033288, MONDO:0008679, OMIM 194070.
Glioma susceptibility 3 (GLM3). Also called: Glioblastoma 3. Identifiers: Orphanet 182067, Orphanet 360, MedGen C2751641, MONDO:0013093, OMIM 613029.
Pancreatic cancer, susceptibility to, 2. Identifiers: Orphanet 1333, MedGen C3150546, MONDO:0013235, OMIM 613347.
Familial prostate cancer. Also called: Hereditary Prostate Cancer. Identifiers: MedGen C2931456, MONDO:0700275, OMIM 176807.
Hereditary cancer-predisposing syndrome. Also called: Neoplastic Syndromes, Hereditary; Hereditary neoplastic syndrome; Hereditary Cancer Syndrome; Tumor predisposition. Identifiers: Orphanet 140162, MedGen C0027672, MeSH D009386, MONDO:0015356.
Hereditary breast ovarian cancer syndrome. Also called: Breast and ovarian cancer; Hereditary breast and/or ovarian cancer syndrome; Hereditary breast and ovarian cancer syndrome; Hereditary breast and ovarian cancer syndrome (HBOC); Hereditary breast and ovarian cancer; BRCA1- and BRCA2-Associated Hereditary Breast and Ovarian Cancer. Identifiers: Orphanet 145, MedGen C0677776, MeSH D061325, MONDO:0003582. Disease mechanism: loss of function.
Chordoma. Identifiers: Orphanet 178, MedGen C0008487, MONDO:0008978, HP:0010762.

Allele frequency attached by ClinVar (database versions not stated): gnomAD 0.00001; TOPMed 0.00001.
gnomAD v4.1: 1 of 1,613,990 alleles (0.000062%); highest among the groups gnomAD compares: Non-Finnish European, 0.000085%; no homozygotes.

Submissions (11):

Labcorp Genetics (formerly Invitae), Labcorp
Classification: Uncertain significance for Hereditary breast ovarian cancer syndrome. Last evaluated: 2025-05-18. Review status: criteria provided, single submitter. Criteria: Invitae Variant Classification Sherloc (09022015). Collection method: clinical testing. Allele origin: germline.
Comment: This sequence change replaces isoleucine, which is neutral and non-polar, with phenylalanine, which is neutral and non-polar, at codon 1173 of the BRCA2 protein (p.Ile1173Phe). This variant is not present in population databases (gnomAD no frequency). This missense change has been observed in individual(s) with breast cancer, chordoma, and/or ovarian cancer (PMID: 32380732, 34178674, 35762214). ClinVar contains an entry for this variant (Variation ID: 96793). Invitae Evidence Modeling of protein sequence and biophysical properties (such as structural, functional, and spatial information, amino acid conservation, physicochemical variation, residue mobility, and thermodynamic stability) indicates that this missense variant is not expected to disrupt BRCA2 protein function with a negative predictive value of 95%. In summary, the available evidence is currently insufficient to determine the role of this variant in disease. Therefore, it has been classified as a Variant of Uncertain Significance.

Color Diagnostics, LLC DBA Color Health
Classification: Uncertain significance for Hereditary cancer-predisposing syndrome. Last evaluated: 2025-03-25. Review status: criteria provided, single submitter. Criteria: ACMG Guidelines, 2015. Collection method: clinical testing. Allele origin: germline.
Comment: This missense variant replaces isoleucine with phenylalanine at codon 1173 of the BRCA2 protein. Computational prediction suggests that this variant may not impact protein structure and function. To our knowledge, functional studies have not been reported for this variant. This variant has been reported in three individuals affected with breast or ovarian cancer (PMID: 32380732, 34178674). A multifactorial analysis has reported a likelihood ratio for pathogenicity based on personal and family history of 1.684 from log(LR)=0.226 for one carrier (PMID: 31853058). This variant has not been identified in the general population by the Genome Aggregation Database (gnomAD). The available evidence is insufficient to determine the role of this variant in disease conclusively. Therefore, this variant is classified as a Variant of Uncertain Significance.

Center for Genomic Medicine, Rigshospitalet, Copenhagen University Hospital
Classification: Uncertain significance. Last evaluated: 2025-03-04. Review status: criteria provided, single submitter. Criteria: ACMG Guidelines, 2015. Collection method: clinical testing. Allele origin: germline.

Women's Health and Genetics/Laboratory Corporation of America, LabCorp
Classification: Uncertain significance. Last evaluated: 2024-12-02. Review status: criteria provided, single submitter. Criteria: LabCorp Variant Classification Summary - May 2015. Collection method: clinical testing. Allele origin: germline.
Comment: Variant summary: BRCA2 c.3517A>T (p.Ile1173Phe) results in a non-conservative amino acid change in the encoded protein sequence. Three of five in-silico tools predict a benign effect of the variant on protein function. The variant was absent in 250806 control chromosomes (gnomAD). The available data on variant occurrences in the general population are insufficient to allow any conclusion about variant significance. c.3517A>T has been reported in the literature in individuals affected with BRCA2-related cancers (examples: Incorvaia_2020, Fanale_2021). These report(s) do not provide unequivocal conclusions about association of the variant with hereditary breast and ovarian cancer syndrome. Co-occurrences with other pathogenic variants have been reported (BRCA1 c.514delC , p.Gln172fs; BRCA1 c.4964_4982del, p.Ser1655fs), providing supporting evidence for a benign role (Fanale_2021). At least one publication reports experimental evidence evaluating an impact on protein function. These results showed no damaging effect of this variant (example: Xia_2022). The following publications have been ascertained in the context of this evaluation (PMID: 32980867, 34178674, 27149842, 32380732, 35762214). ClinVar contains an entry for this variant (Variation ID: 96793). Based on the evidence outlined above, the variant was classified as VUS-possibly benign.

Fulgent Genetics
Classification: Uncertain significance for Familial cancer of breast; Medulloblastoma; Familial prostate cancer; Wilms tumor 1; Fanconi anemia complementation group D1; Breast-ovarian cancer, familial, susceptibility to, 2; Glioma susceptibility 3; Pancreatic cancer, susceptibility to, 2. Last evaluated: 2024-04-24. Review status: criteria provided, single submitter. Criteria: ACMG Guidelines, 2015. Collection method: clinical testing. Allele origin: germline.

Ambry Genetics
Classification: Likely benign for Hereditary cancer-predisposing syndrome. Last evaluated: 2023-12-28. Review status: criteria provided, single submitter. Criteria: Ambry Variant Classification Scheme 2023. Collection method: clinical testing. Allele origin: germline.

All of Us Research Program, National Institutes of Health
Classification: Uncertain significance for Breast-ovarian cancer, familial, susceptibility to, 2. Last evaluated: 2023-10-23. Review status: criteria provided, single submitter. Criteria: ACMG Guidelines, 2015. Collection method: clinical testing. Allele origin: germline. Inheritance: Autosomal dominant inheritance. Observed: 1 variant allele, 1 heterozygote.
Comment: This missense variant replaces isoleucine with phenylalanine at codon 1173 of the BRCA2 protein. Computational prediction suggests that this variant may not impact protein structure and function (internally defined REVEL score threshold <= 0.5, PMID: 27666373). To our knowledge, functional studies have not been reported for this variant. This variant has been reported in an individual affected with breast cancer and an individual affected with ovarian cancer (PMID: 34178674). This variant has not been identified in the general population by the Genome Aggregation Database (gnomAD). The available evidence is insufficient to determine the role of this variant in disease conclusively. Therefore, this variant is classified as a Variant of Uncertain Significance.

This study involves interpretation of variants in research participants for the purpose of population health screening. Participant phenotype was not available at the time of variant classification. Additional details can be found in publication PMID: 35346344, PMCID: PMC8962531

University of Washington Department of Laboratory Medicine, University of Washington
Classification: Likely benign for Hereditary cancer-predisposing syndrome. Last evaluated: 2023-03-23. Review status: criteria provided, single submitter. Criteria: Dines et al. (Genet Med. 2020). Collection method: curation. Allele origin: germline.
Comment: Missense variant in a coldspot region where missense variants are very unlikely to be pathogenic (PMID:31911673).

BRCA2 exon 11 coldspot. Reclassification based on statistical prior probability.

GeneDx
Classification: Uncertain significance. Last evaluated: 2021-03-03. Review status: criteria provided, single submitter. Criteria: GeneDx Variant Classification Process June 2021. Collection method: clinical testing. Allele origin: germline. Affected: yes.
Comment: Not observed in large population cohorts (Lek 2016); In silico analysis supports that this missense variant has a deleterious effect on protein structure/function; Has not been previously published as pathogenic or benign to our knowledge; Also known as 3745A>T

Integrative Tumor Epidemiology Branch, National Institutes of Health
Classification: Uncertain significance for Chordoma. Last evaluated: 2021-03-22. Review status: no assertion criteria provided. Collection method: research. Allele origin: germline. Affected: yes. Observed: 1 variant allele. Not counted in ClinVar's aggregate classification.
Comment: No impact on ES cell survival or drug sensitivity (no impact on BRCA2 function)

Sharing Clinical Reports Project (SCRP)
Classification: Uncertain significance for Breast-ovarian cancer, familial 2. Last evaluated: 2007-12-03. Review status: no assertion criteria provided. Collection method: clinical testing. Allele origin: germline. Not counted in ClinVar's aggregate classification.

Literature cited by the submitters: PubMed 32380732 (cited by 3 submitters); PubMed 34178674 (cited by 4 submitters); PubMed 35762214 (cited by Labcorp Genetics (formerly Invitae), Labcorp and Women's Health and Genetics/Laboratory Corporation of America, LabCorp); PubMed 31853058 (cited by Color Diagnostics, LLC DBA Color Health); PubMed 27149842 (cited by Women's Health and Genetics/Laboratory Corporation of America, LabCorp); PubMed 32980867 (cited by Women's Health and Genetics/Laboratory Corporation of America, LabCorp).